The following is an entry in ClinVar:

NM_005422.4(TECTA):c.3713A>G (p.Tyr1238Cys)

Genes: TBCEL-TECTA (TBCEL-TECTA readthrough; plus strand), TECTA (tectorin alpha; plus strand). Cytogenetic location: 11q23.3.
Variant type: single nucleotide variant.
Coding change: c.3713A>G on transcript NM_005422.4 (MANE Select); coding-DNA position 3713, A replaced by G.
Protein change: p.Tyr1238Cys; replaces tyrosine 1238 with cysteine.
Molecular consequence: missense variant.
Genome position (GRCh38, 1-based): chr11:121,145,724, A>G. VCF-style: chr11-121145724-A-G. GRCh37 (hg19) VCF-style: chr11-121016433-A-G.
Other names: c.4670A>G, p.Tyr1557Cys (NM_001378761.1); c.3713A>G (NM_005422.2); short protein forms Y1238C, Y1557C.
Identifiers: ClinVar variation 2996008 (VCV002996008.4), dbSNP rs531328247, ClinGen allele CA6327274.
Genomic context (GRCh38, chr11:121,145,724, plus strand): 5'-TATATGACTGGAAGACCTTCCTGTCCATCACAGTCCCTCGGAGCATGCAGAACAGCACCT[A>G]TGGTCTGTGTGGCCGCTACAACGGCAACCCTGATGATGACCTGGAGATGCCCATGGGTCT-3'
Protein context (NP_005413.2, residues 1228-1248): TVPRSMQNST[Tyr1238Cys]GLCGRYNGNP

ClinVar aggregate classification (germline): Uncertain significance. Review status: criteria provided, multiple submitters, no conflicts (2 of 4 stars). 2 submissions from 2 submitters: Uncertain significance (2). Last evaluated 2025-07-28.

Allele frequency attached by ClinVar (database versions not stated): gnomAD exomes below 0.00001; gnomAD 0.00001; ExAC 0.00002; TOPMed 0.00002; 1000 Genomes Project 30x 0.00016; 1000 Genomes Project 0.00020.
gnomAD v4.1: 4 of 1,614,208 alleles (0.00025%); highest among the groups gnomAD compares: East Asian, 0.0022%; no homozygotes.

Submissions (2):

GeneDx
Classification: Uncertain significance. Last evaluated: 2025-07-28. Review status: criteria provided, single submitter. Criteria: GeneDx Variant Classification Process June 2021. Collection method: clinical testing. Allele origin: germline. Affected: yes.
Comment: Identified in a patient with amyotrophic lateral sclerosis in published literature (PMID: 28714244); In silico analysis suggests that this missense variant does not alter protein structure/function; This variant is associated with the following publications: (PMID: 21520338, 31554319, 9590290, 28714244)

Labcorp Genetics (formerly Invitae), Labcorp
Classification: Uncertain significance. Last evaluated: 2022-12-22. Review status: criteria provided, single submitter. Criteria: Invitae Variant Classification Sherloc (09022015). Collection method: clinical testing. Allele origin: germline.
Comment: This sequence change replaces tyrosine, which is neutral and polar, with cysteine, which is neutral and slightly polar, at codon 1238 of the TECTA protein (p.Tyr1238Cys). This variant is present in population databases (rs531328247, gnomAD 0.01%). This variant has not been reported in the literature in individuals affected with TECTA-related conditions. Advanced modeling of protein sequence and biophysical properties (such as structural, functional, and spatial information, amino acid conservation, physicochemical variation, residue mobility, and thermodynamic stability) performed at Invitae indicates that this missense variant is not expected to disrupt TECTA protein function. In summary, the available evidence is currently insufficient to determine the role of this variant in disease. Therefore, it has been classified as a Variant of Uncertain Significance.